The following is an entry in ClinVar:

ClinVar aggregate classification (germline): Uncertain significance (1 of 4 stars; one submission).

gnomAD v4.1: 1 of 1,548,168 alleles (0.000065%); highest among the groups gnomAD compares: Non-Finnish European, 0.000087%; no homozygotes.

Submission:

GeneDx
Classification: Uncertain significance. Last evaluated: 2022-06-07. Review status: criteria provided, single submitter. Criteria: GeneDx Variant Classification Process June 2021. Collection method: clinical testing. Allele origin: germline. Affected: yes.
Comment: Not observed at significant frequency in large population cohorts (gnomAD); In silico analysis supports that this missense variant has a deleterious effect on protein structure/function; Has not been previously published as pathogenic or benign to our knowledge

NM_001145026.2(PTPRQ):c.5596C>G (p.Pro1866Ala)

Gene: PTPRQ (protein tyrosine phosphatase receptor type Q; plus strand). Cytogenetic location: 12q21.31.
Variant type: single nucleotide variant.
Coding change: c.5596C>G on transcript NM_001145026.2 (MANE Select); coding-DNA position 5596, C replaced by G.
Protein change: p.Pro1866Ala; replaces proline 1866 with alanine.
Molecular consequence: missense variant.
Genome position (GRCh38, 1-based): chr12:80,620,360, C>G. VCF-style: chr12-80620360-C-G. GRCh37 (hg19) VCF-style: chr12-81014139-C-G.
Other names: short protein forms P1866A.
Identifiers: ClinVar variation 1803391 (VCV001803391.1), dbSNP rs2541682312, ClinGen allele CA385941180.